The following is an entry in ClinVar:

NM_000057.4(BLM):c.3250A>G (p.Ile1084Val)

Gene: BLM (BLM RecQ like helicase; plus strand). Cytogenetic location: 15q26.1.
Variant type: single nucleotide variant.
Coding change: c.3250A>G on transcript NM_000057.4 (MANE Select); coding-DNA position 3250, A replaced by G.
Protein change: p.Ile1084Val; replaces isoleucine 1084 with valine.
Molecular consequence: missense variant.
Genome position (GRCh38, 1-based): chr15:90,798,229, A>G. VCF-style: chr15-90798229-A-G. GRCh37 (hg19) VCF-style: chr15-91341459-A-G.
Other names: c.3250A>G (NM_000057.3); c.3250A>G, p.Ile1084Val (NM_001287246.2, NM_001287247.2); c.2125A>G, p.Ile709Val (NM_001287248.2); short protein forms I1084V, I709V.
Identifiers: ClinVar variation 2447178 (VCV002447178.6), dbSNP rs1421330208, ClinGen allele CA393847183.

ClinVar aggregate classification (germline): Uncertain significance. Review status: criteria provided, multiple submitters, no conflicts (2 of 4 stars). 3 submissions from 3 submitters: Uncertain significance (2). 1 of the submissions does not count toward it. Last evaluated 2023-04-03.

Conditions:
Hereditary cancer-predisposing syndrome. Also called: Neoplastic Syndromes, Hereditary; Hereditary Cancer Syndrome; Tumor predisposition; Hereditary neoplastic syndrome. Identifiers: Orphanet 140162, MedGen C0027672, MeSH D009386, MONDO:0015356.
Bloom syndrome (BLM). Also called: Bloom-Torre-Machacek syndrome. Identifiers: Orphanet 125, MedGen C0005859, MONDO:0008876, OMIM 210900.

Allele frequency attached by ClinVar (database versions not stated): gnomAD exomes below 0.00001.
gnomAD v4.1: 1 of 1,609,916 alleles (0.000062%); highest among the groups gnomAD compares: South Asian, 0.0011%; no homozygotes.

Submissions (3):

Labcorp Genetics (formerly Invitae), Labcorp
Classification: Uncertain significance for Bloom syndrome. Last evaluated: 2023-04-03. Review status: criteria provided, single submitter. Criteria: Invitae Variant Classification Sherloc (09022015). Collection method: clinical testing. Allele origin: germline.
Comment: This sequence change replaces isoleucine, which is neutral and non-polar, with valine, which is neutral and non-polar, at codon 1084 of the BLM protein (p.Ile1084Val). This variant is present in population databases (no rsID available, gnomAD 0.003%). This variant has not been reported in the literature in individuals affected with BLM-related conditions. Advanced modeling of protein sequence and biophysical properties (such as structural, functional, and spatial information, amino acid conservation, physicochemical variation, residue mobility, and thermodynamic stability) performed at Invitae indicates that this missense variant is not expected to disrupt BLM protein function. In summary, the available evidence is currently insufficient to determine the role of this variant in disease. Therefore, it has been classified as a Variant of Uncertain Significance.

Ambry Genetics
Classification: Uncertain significance for Hereditary cancer-predisposing syndrome. Last evaluated: 2023-01-16. Review status: criteria provided, single submitter. Criteria: Ambry Variant Classification Scheme 2023. Collection method: clinical testing. Allele origin: germline.
Comment: The p.I1084V variant (also known as c.3250A>G), located in coding exon 16 of the BLM gene, results from an A to G substitution at nucleotide position 3250. The isoleucine at codon 1084 is replaced by valine, an amino acid with highly similar properties. This amino acid position is conserved. In addition, this alteration is predicted to be tolerated by in silico analysis. Since supporting evidence is limited at this time, the clinical significance of this alteration remains unclear.

Natera, Inc.
Classification: Uncertain significance for Bloom syndrome. Last evaluated: 2025-01-13. Review status: no assertion criteria provided. Collection method: clinical testing. Allele origin: germline. Not counted in ClinVar's aggregate classification.